The following is an entry in ClinVar:

NM_003998.4(NFKB1):c.1526T>C (p.Leu509Pro)

Gene: NFKB1 (nuclear factor kappa B subunit 1; plus strand). Cytogenetic location: 4q24.
Variant type: single nucleotide variant.
Coding change: c.1526T>C on transcript NM_003998.4 (MANE Select); coding-DNA position 1526, T replaced by C.
Protein change: p.Leu509Pro; replaces leucine 509 with proline.
Molecular consequence: missense variant.
Genome position (GRCh38, 1-based): chr4:102,597,550, T>C. VCF-style: chr4-102597550-T-C. GRCh37 (hg19) VCF-style: chr4-103518707-T-C.
Other names: c.1523T>C, p.Leu508Pro (NM_001165412.2, NM_001319226.2, NM_001382627.1); c.1526T>C, p.Leu509Pro (NM_001382625.1, NM_001382626.1); c.1484T>C, p.Leu495Pro (NM_001382628.1); short protein forms L495P, L508P, L509P.
Identifiers: ClinVar variation 2050387 (VCV002050387.4), dbSNP rs1241657198, ClinGen allele CA357751301.

ClinVar aggregate classification (germline): Uncertain significance (1 of 4 stars; one submission).

Allele frequency attached by ClinVar (database versions not stated): gnomAD 0.00001; TOPMed 0.00002; gnomAD exomes 0.00001.
gnomAD v4.1: 8 of 1,613,476 alleles (0.0005%); highest among the groups gnomAD compares: Admixed American, 0.012%; no homozygotes.

Submission:

Labcorp Genetics (formerly Invitae), Labcorp
Classification: Uncertain significance. Last evaluated: 2023-01-24. Review status: criteria provided, single submitter. Criteria: Invitae Variant Classification Sherloc (09022015). Collection method: clinical testing. Allele origin: germline.
Comment: This sequence change replaces leucine, which is neutral and non-polar, with proline, which is neutral and non-polar, at codon 509 of the NFKB1 protein (p.Leu509Pro). In summary, the available evidence is currently insufficient to determine the role of this variant in disease. Therefore, it has been classified as a Variant of Uncertain Significance. Advanced modeling of protein sequence and biophysical properties (such as structural, functional, and spatial information, amino acid conservation, physicochemical variation, residue mobility, and thermodynamic stability) performed at Invitae indicates that this missense variant is not expected to disrupt NFKB1 protein function. This variant has not been reported in the literature in individuals affected with NFKB1-related conditions. This variant is present in population databases (no rsID available, gnomAD 0.009%).